The following is an entry in ClinVar:

NM_198999.3(SLC26A5):c.329dup (p.Phe111fs)

Gene: SLC26A5 (solute carrier family 26 member 5; minus strand). Cytogenetic location: 7q22.1.
Variant type: Duplication.
Coding change: c.329dup on transcript NM_198999.3 (MANE Select); coding-DNA position 329, one base duplicated (T; older notation c.329dupT).
Protein change: p.Phe111fs; shifts the reading frame from phenylalanine 111.
Molecular consequence: frameshift variant. On other transcripts: non-coding transcript variant (5).
Genome position (GRCh38, 1-based): chr7:103,413,076, A duplicated on the plus strand (T on the coding strand, the reverse complement: SLC26A5 is on the minus strand). VCF-style (leftmost placement, unchanged base first): chr7-103413075-T-TA. GRCh37 (hg19) VCF-style: chr7-103053522-T-TA.
Other names: c.329dup, p.Phe111fs (NM_001167962.2, NM_001321787.2, NM_206883.3 and 2 more transcripts); short protein forms F111fs.
Identifiers: ClinVar variation 2998324 (VCV002998324.3), dbSNP rs781516548, ClinGen allele CA4419804.
Genomic context (GRCh38, chr7:103,413,075, plus strand): 5'-TCTGGAGGTTCCAAGAAAACAATACATGATAACAGGGTAAAATGAAGAGTACAGGCCAAA[T>TA]ATTGGAGGCACAGCTGCCAGCATTGCAAAGGCTAAGCCTGTGGGATTAAAAACCAAACAG-3'

ClinVar aggregate classification (germline): Pathogenic (1 of 4 stars; one submission).

Allele frequency attached by ClinVar (database versions not stated): gnomAD exomes below 0.00001; ExAC 0.00001.

Submission:

Labcorp Genetics (formerly Invitae), Labcorp
Classification: Pathogenic. Last evaluated: 2023-07-14. Review status: criteria provided, single submitter. Criteria: Invitae Variant Classification Sherloc (09022015). Collection method: clinical testing. Allele origin: germline.
Comment: This variant has not been reported in the literature in individuals affected with SLC26A5-related conditions. This sequence change creates a premature translational stop signal (p.Phe111Ilefs*31) in the SLC26A5 gene. It is expected to result in an absent or disrupted protein product. Loss-of-function variants in SLC26A5 are known to be pathogenic (PMID: 12239568, 24164807). This variant is not present in population databases (gnomAD no frequency). For these reasons, this variant has been classified as Pathogenic.

Literature cited by the submitters: PubMed 12239568; PubMed 24164807.